The following is an entry in ClinVar:

ClinVar aggregate classification (germline): Uncertain significance (1 of 4 stars; one submission).

Submission:

GeneDx
Classification: Uncertain significance. Last evaluated: 2024-07-07. Review status: criteria provided, single submitter. Criteria: GeneDx Variant Classification Process June 2021. Collection method: clinical testing. Allele origin: germline. Affected: yes.
Comment: Not observed at significant frequency in large population cohorts (gnomAD); In silico analysis indicates that this missense variant does not alter protein structure/function; Has not been previously published as pathogenic or benign to our knowledge

NM_006035.4(CDC42BPB):c.4974G>T (p.Met1658Ile)

Gene: CDC42BPB (CDC42 binding protein kinase beta; minus strand). Cytogenetic location: 14q32.32.
Variant type: single nucleotide variant.
Coding change: c.4974G>T on transcript NM_006035.4 (MANE Select); coding-DNA position 4974, G replaced by T.
Protein change: p.Met1658Ile; replaces methionine 1658 with isoleucine.
Molecular consequence: missense variant.
Genome position (GRCh38, 1-based): chr14:102,938,134, C>A on the plus strand (G>T on the coding strand, the complement: CDC42BPB is on the minus strand). VCF-style: chr14-102938134-C-A. GRCh37 (hg19) VCF-style: chr14-103404471-C-A.
Other names: c.4896G>T, p.Met1632Ile (NM_001411054.1); short protein forms M1632I, M1658I.
Identifiers: ClinVar variation 3572632 (VCV003572632.1).
Genomic context (GRCh38, chr14:102,938,134, plus strand): 5'-GCCTCAGCACTGGACCTGGGCAAGTCTCACCTCTTTGTCAAAGTCCTGGTCTGGATCAGA[C>A]ATACTTCTCAGAGGCACAGTCACGCTAGGCTCCGATCCACCTACAGAACAAGGACAGCTT-3'
Protein context (NP_006026.3, residues 1648-1668): EPSVTVPLRS[Met1658Ile]SDPDQDFDKE